The following is an entry in ClinVar:

ClinVar aggregate classification (germline): Uncertain significance (1 of 4 stars; one submission).

Submission:

GeneDx
Classification: Uncertain significance. Last evaluated: 2019-03-27. Review status: criteria provided, single submitter. Criteria: GeneDx Variant Classification Process June 2021. Collection method: clinical testing. Allele origin: germline. Affected: yes.
Comment: Not observed at a significant frequency in large population cohorts (Lek et al., 2016); In-frame deletion of 1 amino acid and the insertion of 2 amino acids in a non-repeat region; In silico analysis, which includes protein predictors and evolutionary conservation, supports a deleterious effect

NM_005051.3(QARS1):c.250delinsAAGA (p.Glu84delinsLysLys)

Gene: QARS1 (glutaminyl-tRNA synthetase 1; minus strand). Cytogenetic location: 3p21.31.
Variant type: Indel.
Coding change: c.250delinsAAGA on transcript NM_005051.3 (MANE Select); coding-DNA position 250, G replaced by AAGA.
Protein change: p.Glu84delinsLysLys.
Molecular consequence: inframe indel. On other transcripts: intron variant (1).
Genome position (GRCh38, 1-based): chr3:49,104,339, C replaced by TCTT on the plus strand (G replaced by AAGA on the coding strand, the reverse complement: QARS1 is on the minus strand). VCF-style: chr3-49104339-C-TCTT. GRCh37 (hg19) VCF-style: chr3-49141772-C-TCTT.
Other names: c.232+18delinsAAGA (NM_001272073.2).
Identifiers: ClinVar variation 1303566 (VCV001303566.2), dbSNP rs2107113849, ClinGen allele CA2573052202.